The following is an entry in ClinVar:

ClinVar aggregate classification (germline): Uncertain significance (1 of 4 stars; one submission).

Conditions:
Immunodeficiency 23 (IMD23). Also called: IMMUNODEFICIENCY WITH HYPER IgE AND COGNITIVE IMPAIRMENT; IMMUNODEFICIENCY-VASCULITIS-MYOCLONUS SYNDROME. Identifiers: Orphanet 443811, MedGen C4014371, MONDO:0014353, OMIM 615816.

Allele frequency attached by ClinVar (database versions not stated): gnomAD exomes below 0.00001; TOPMed below 0.00001; ExAC 0.00001.
gnomAD v4.1: 2 of 1,614,076 alleles (0.00012%); highest among the groups gnomAD compares: African/African-American, 0.0013%; no homozygotes.

Submission:

Labcorp Genetics (formerly Invitae), Labcorp
Classification: Uncertain significance for Immunodeficiency 23. Last evaluated: 2020-02-21. Review status: criteria provided, single submitter. Criteria: Invitae Variant Classification Sherloc (09022015). Collection method: clinical testing. Allele origin: germline.
Comment: In summary, the available evidence is currently insufficient to determine the role of this variant in disease. Therefore, it has been classified as a Variant of Uncertain Significance. Algorithms developed to predict the effect of missense changes on protein structure and function (SIFT, PolyPhen-2, Align-GVGD) all suggest that this variant is likely to be tolerated, but these predictions have not been confirmed by published functional studies and their clinical significance is uncertain. This variant has not been reported in the literature in individuals with PGM3-related conditions. This variant is present in population databases (rs750145657, ExAC 0.006%). This sequence change replaces isoleucine with methionine at codon 48 of the PGM3 protein (p.Ile48Met). The isoleucine residue is weakly conserved and there is a small physicochemical difference between isoleucine and methionine.

NM_015599.3(PGM3):c.60C>G (p.Ile20Met)

Gene: PGM3 (phosphoglucomutase 3; minus strand). Cytogenetic location: 6q14.1.
Variant type: single nucleotide variant.
Coding change: c.60C>G on transcript NM_015599.3 (MANE Select); coding-DNA position 60, C replaced by G.
Protein change: p.Ile20Met; replaces isoleucine 20 with methionine.
Molecular consequence: missense variant. On other transcripts: non-coding transcript variant (1), intron variant (1).
Genome position (GRCh38, 1-based): chr6:83,190,953, G>C on the plus strand (C>G on the coding strand, the complement: PGM3 is on the minus strand). VCF-style: chr6-83190953-G-C. GRCh37 (hg19) VCF-style: chr6-83900672-G-C.
Other names: c.144C>G, p.Ile48Met (NM_001199917.2, NM_001367287.1); c.60C>G, p.Ile20Met (NM_001199919.2, NM_001367286.1); c.-39-2155C>G (NM_001199918.2); short protein forms I20M, I48M.
Identifiers: ClinVar variation 858953 (VCV000858953.9), dbSNP rs750145657, ClinGen allele CA3906899.